The following is an entry in ClinVar:

ClinVar aggregate classification (germline): Uncertain significance. Review status: criteria provided, multiple submitters, no conflicts (2 of 4 stars). 2 submissions from 2 submitters: Uncertain significance (2). Last evaluated 2026-10-01.

Conditions:
Bloom syndrome (BLM). Also called: Bloom-Torre-Machacek syndrome. Identifiers: Orphanet 125, MedGen C0005859, MONDO:0008876, OMIM 210900.
Hereditary cancer-predisposing syndrome. Also called: Hereditary neoplastic syndrome; Hereditary Cancer Syndrome; Neoplastic Syndromes, Hereditary; Tumor predisposition. Identifiers: Orphanet 140162, MedGen C0027672, MeSH D009386, MONDO:0015356.

gnomAD v4.1: 3 of 1,611,068 alleles (0.00019%); highest among the groups gnomAD compares: Admixed American, 0.0017%; no homozygotes.

Submissions (2):

St. Jude Molecular Pathology, St. Jude Children's Research Hospital
Classification: Uncertain significance for Bloom syndrome. Last evaluated: 2026-10-01. Review status: criteria provided, single submitter. Criteria: St. Jude Assertion Criteria 2020. Collection method: clinical testing. Allele origin: germline.
Comment: The BLM c.1096A>G p.(Ile366Val) missense change has a maximum subpopulation frequency of 0.003% in gnomAD v2.1.1. The in silico tool REVEL predicts a benign effect on protein fu nction, but to our knowledge this prediction has not been confirmed by functional studies. To our knowledge, this variant has not been reported in individuals with Bloom syndrome. In summary, the evidence currently available is insufficient to determine the clinical significance of this variant. It has therefore been classified as of uncertain significance.

Ambry Genetics
Classification: Uncertain significance for Hereditary cancer-predisposing syndrome. Last evaluated: 2024-08-16. Review status: criteria provided, single submitter. Criteria: Ambry Variant Classification Scheme 2023. Collection method: clinical testing. Allele origin: germline.
Comment: The p.I366V variant (also known as c.1096A>G), located in coding exon 5 of the BLM gene, results from an A to G substitution at nucleotide position 1096. The isoleucine at codon 366 is replaced by valine, an amino acid with highly similar properties. This amino acid position is conserved. In addition, this alteration is predicted to be tolerated by in silico analysis. Based on the available evidence, the clinical significance of this variant remains unclear.

NM_000057.4(BLM):c.1096A>G (p.Ile366Val)

Gene: BLM (BLM RecQ like helicase; plus strand). Cytogenetic location: 15q26.1.
Variant type: single nucleotide variant.
Coding change: c.1096A>G on transcript NM_000057.4 (MANE Select); coding-DNA position 1096, A replaced by G.
Protein change: p.Ile366Val; replaces isoleucine 366 with valine.
Molecular consequence: missense variant. On other transcripts: 5 prime UTR variant (1).
Genome position (GRCh38, 1-based): chr15:90,760,155, A>G. VCF-style: chr15-90760155-A-G. GRCh37 (hg19) VCF-style: chr15-91303385-A-G.
Other names: c.1096A>G, p.Ile366Val (NM_001287246.2, NM_001287247.2); c.-30A>G (NM_001287248.2); short protein forms I366V.
Identifiers: ClinVar variation 3480773 (VCV003480773.2).